The following is an entry in ClinVar:

NM_022132.5(MCCC2):c.129+1G>T

Gene: MCCC2 (methylcrotonyl-CoA carboxylase subunit 2; plus strand). Cytogenetic location: 5q13.2.
Variant type: single nucleotide variant.
Coding change: c.129+1G>T on transcript NM_022132.5 (MANE Select); the canonical splice donor site of the intron after coding-DNA position 129, G replaced by T.
Molecular consequence: splice donor variant.
Genome position (GRCh38, 1-based): chr5:71,587,555, G>T. VCF-style: chr5-71587555-G-T. GRCh37 (hg19) VCF-style: chr5-70883382-G-T.
Other names: c.129+1G>T (NM_001363147.1).
Identifiers: ClinVar variation 1483280 (VCV001483280.9), dbSNP rs1744812773, ClinGen allele CA360002556.

ClinVar aggregate classification (germline): Likely pathogenic. Review status: criteria provided, multiple submitters, no conflicts (2 of 4 stars). 2 submissions from 2 submitters: Likely pathogenic (2). Last evaluated 2024-01-24.

Conditions:
3-methylcrotonyl-CoA carboxylase 2 deficiency. Also called: METHYLCROTONYLGLYCINURIA, TYPE II; 3 alpha methylcrotonyl-CoA carboxylase 2 deficiency; 3 alpha methylcrotonylglycinuria 2; MCC 2 deficiency; Methylcrotonylglycinuria type 2. Identifiers: Orphanet 6, MedGen C1859499, MONDO:0008862, OMIM 210210.

Submissions (2):

Fulgent Genetics
Classification: Likely pathogenic for 3-methylcrotonyl-CoA carboxylase 2 deficiency. Last evaluated: 2024-01-24. Review status: criteria provided, single submitter. Criteria: ACMG Guidelines, 2015. Collection method: clinical testing. Allele origin: germline.

Labcorp Genetics (formerly Invitae), Labcorp
Classification: Likely pathogenic for 3-methylcrotonyl-CoA carboxylase 2 deficiency. Last evaluated: 2023-05-02. Review status: criteria provided, single submitter. Criteria: Invitae Variant Classification Sherloc (09022015). Collection method: clinical testing. Allele origin: germline.
Comment: This sequence change affects a donor splice site in intron 1 of the MCCC2 gene. It is expected to disrupt RNA splicing. Variants that disrupt the donor or acceptor splice site typically lead to a loss of protein function (PMID: 16199547), and loss-of-function variants in MCCC2 are known to be pathogenic (PMID: 11181649, 22642865). This variant is not present in population databases (gnomAD no frequency). This variant has not been reported in the literature in individuals affected with MCCC2-related conditions. ClinVar contains an entry for this variant (Variation ID: 1483280). Algorithms developed to predict the effect of sequence changes on RNA splicing suggest that this variant may disrupt the consensus splice site. In summary, the currently available evidence indicates that the variant is pathogenic, but additional data are needed to prove that conclusively. Therefore, this variant has been classified as Likely Pathogenic.

Literature cited by the submitters: PubMed 16199547 (cited by Labcorp Genetics (formerly Invitae), Labcorp); PubMed 11181649 (cited by Labcorp Genetics (formerly Invitae), Labcorp); PubMed 22642865 (cited by Labcorp Genetics (formerly Invitae), Labcorp).